The following is an entry in ClinVar:

NM_005559.4(LAMA1):c.1792G>C (p.Glu598Gln)

Gene: LAMA1 (laminin subunit alpha 1; minus strand). Cytogenetic location: 18p11.31.
Variant type: single nucleotide variant.
Coding change: c.1792G>C on transcript NM_005559.4 (MANE Select); coding-DNA position 1792, G replaced by C.
Protein change: p.Glu598Gln; replaces glutamic acid 598 with glutamine.
Molecular consequence: missense variant.
Genome position (GRCh38, 1-based): chr18:7,036,034, C>G on the plus strand (G>C on the coding strand, the complement: LAMA1 is on the minus strand). VCF-style: chr18-7036034-C-G. GRCh37 (hg19) VCF-style: chr18-7036033-C-G.
Other names: short protein forms E598Q.
Identifiers: ClinVar variation 777268 (VCV000777268.18), dbSNP rs116690149, ClinGen allele CA8882866.
Genomic context (GRCh38, chr18:7,036,034, plus strand): 5'-CAAAAACAATCACCTTAATGATGACGTCAGCATGCGACATGAGGTTACTGTCTACCGTCT[C>G]TACCGGAATATCGTAGGACACCGTGTATTTCAGGAATCCGCCAAACGCAGTCAGCTGAAA-3'
Protein context (NP_005550.2, residues 588-608): KYTVSYDIPV[Glu598Gln]TVDSNLMSHA

ClinVar aggregate classification (germline): Conflicting classifications of pathogenicity. Review status: criteria provided, conflicting classifications (1 of 4 stars). 7 submissions from 7 submitters: Uncertain significance (2); Likely benign (4). 1 of the submissions does not count toward it. Last evaluated 2025-09-09.

Conditions:
Ataxia - intellectual disability - oculomotor apraxia - cerebellar cysts syndrome. Also called: Poretti-Boltshauser syndrome. Identifiers: Orphanet 370022, MedGen C4014821, MONDO:0014419, OMIM 615960.
LAMA1-related disorder. Also called: LAMA1-related disorders; LAMA1-related condition.
Inborn genetic diseases. Identifiers: MedGen C0950123, MeSH D030342.

Allele frequency attached by ClinVar (database versions not stated): gnomAD exomes 0.00016 and 0.00039; ExAC 0.00052; 1000 Genomes Project 0.00120; 1000 Genomes Project 30x 0.00141; gnomAD 0.00185 and 0.00203; TOPMed 0.00201; ESP Exome Variant Server 0.00223.
gnomAD v4.1: 522 of 1,614,234 alleles (0.032%); highest among the groups gnomAD compares: African/African-American, 0.64%; 2 homozygotes.

Submissions (7):

Labcorp Genetics (formerly Invitae), Labcorp
Classification: Likely benign. Last evaluated: 2025-09-09. Review status: criteria provided, single submitter. Criteria: Invitae Variant Classification Sherloc (09022015). Collection method: clinical testing. Allele origin: germline.

Women's Health and Genetics/Laboratory Corporation of America, LabCorp
Classification: Likely benign. Last evaluated: 2024-10-15. Review status: criteria provided, single submitter. Criteria: LabCorp Variant Classification Summary - May 2015. Collection method: clinical testing. Allele origin: germline.
Comment: Variant summary: LAMA1 c.1792G>C (p.Glu598Gln) results in a conservative amino acid change located in the Laminin IV domain (IPR000034) of the encoded protein sequence. Three of five in-silico tools predict a benign effect of the variant on protein function. The variant allele was found at a frequency of 0.00039 in 251482 control chromosomes, predominantly at a frequency of 0.0055 within the African or African-American subpopulation in the gnomAD database. The observed variant frequency within African or African-American control individuals in the gnomAD database exceeds the estimated maximal expected allele frequency for a pathogenic variant in LAMA1 causing Ataxia-Intellectual Disability-Oculomotor Apraxia-Cerebellar Cysts Syndrome phenotype. To our knowledge, no occurrence of c.1792G>C in individuals affected with Ataxia-Intellectual Disability-Oculomotor Apraxia-Cerebellar Cysts Syndrome and no experimental evidence demonstrating its impact on protein function have been reported. ClinVar contains an entry for this variant (Variation ID: 777268). Based on the evidence outlined above, the variant was classified as likely benign.

Blueprint Genetics
Classification: Likely benign. Last evaluated: 2024-08-30. Review status: criteria provided, single submitter. Criteria: ACMG Guidelines, 2015. Collection method: clinical testing. Allele origin: germline.

GeneDx
Classification: Uncertain significance. Last evaluated: 2023-02-07. Review status: criteria provided, single submitter. Criteria: GeneDx Variant Classification Process June 2021. Collection method: clinical testing. Allele origin: germline. Affected: yes.
Comment: In silico analysis supports that this missense variant does not alter protein structure/function; Has not been previously published as pathogenic or benign to our knowledge

Ambry Genetics
Classification: Likely benign for Inborn genetic diseases. Last evaluated: 2023-01-10. Review status: criteria provided, single submitter. Criteria: Ambry Variant Classification Scheme 2023. Collection method: clinical testing. Allele origin: germline.

Baylor Genetics
Classification: Uncertain significance for Ataxia - intellectual disability - oculomotor apraxia - cerebellar cysts syndrome. Last evaluated: 2019-07-23. Review status: criteria provided, single submitter. Criteria: ACMG Guidelines, 2015. Collection method: clinical testing. Allele origin: unknown. Affected: yes.
Comment: This variant was determined to be of uncertain significance according to ACMG Guidelines, 2015 [PMID:25741868].

PreventionGenetics, part of Exact Sciences
Classification: Likely benign for LAMA1-related condition. Last evaluated: 2019-08-28. Review status: no assertion criteria provided. Collection method: clinical testing. Allele origin: germline. Not counted in ClinVar's aggregate classification.
Comment: This variant is classified as likely benign based on ACMG/AMP sequence variant interpretation guidelines (Richards et al. 2015 PMID: 25741868, with internal and published modifications).